The following is an entry in ClinVar:

ClinVar aggregate classification (germline): Uncertain significance (1 of 4 stars; one submission).

Conditions:
Pierson syndrome. Also called: MICROCORIA-CONGENITAL NEPHROTIC SYNDROME. Identifiers: Orphanet 2670, MedGen C1836876, MONDO:0012184, OMIM 609049.
LAMB2-related infantile-onset nephrotic syndrome. Also called: Nephrotic Syndrome, type 5; NEPHROTIC SYNDROME, TYPE 5, WITHOUT OCULAR ABNORMALITIES; NEPHROTIC SYNDROME, TYPE 5, WITH OCULAR ABNORMALITIES. Identifiers: Orphanet 306507, MedGen C3280113, MONDO:0013621, OMIM 614199.

Allele frequency attached by ClinVar (database versions not stated): gnomAD exomes below 0.00001; ExAC 0.00001.

Submission:

Labcorp Genetics (formerly Invitae), Labcorp
Classification: Uncertain significance for LAMB2-related infantile-onset nephrotic syndrome; Pierson syndrome. Last evaluated: 2020-03-05. Review status: criteria provided, single submitter. Criteria: Invitae Variant Classification Sherloc (09022015). Collection method: clinical testing. Allele origin: germline.
Comment: This variant has not been reported in the literature in individuals with LAMB2-related conditions. This variant is present in population databases (rs768495334, ExAC 0.002%). This sequence change replaces alanine with threonine at codon 1560 of the LAMB2 protein (p.Ala1560Thr). The alanine residue is highly conserved and there is a small physicochemical difference between alanine and threonine. Algorithms developed to predict the effect of missense changes on protein structure and function are either unavailable or do not agree on the potential impact of this missense change (SIFT: "Tolerated"; PolyPhen-2: "Possibly Damaging"; Align-GVGD: "Class C0"). In summary, the available evidence is currently insufficient to determine the role of this variant in disease. Therefore, it has been classified as a Variant of Uncertain Significance.

NM_002292.4(LAMB2):c.4678G>A (p.Ala1560Thr)

Gene: LAMB2 (laminin subunit beta 2; minus strand). Cytogenetic location: 3p21.31.
Variant type: single nucleotide variant.
Coding change: c.4678G>A on transcript NM_002292.4 (MANE Select); coding-DNA position 4678, G replaced by A.
Protein change: p.Ala1560Thr; replaces alanine 1560 with threonine.
Molecular consequence: missense variant.
Genome position (GRCh38, 1-based): chr3:49,122,266, C>T on the plus strand (G>A on the coding strand, the complement: LAMB2 is on the minus strand). VCF-style: chr3-49122266-C-T. GRCh37 (hg19) VCF-style: chr3-49159699-C-T.
Other names: short protein forms A1560T.
Identifiers: ClinVar variation 1045138 (VCV001045138.5), dbSNP rs768495334, ClinGen allele CA2393732.